The following is an entry in ClinVar:

NM_022173.4(TIA1):c.562G>A (p.Ala188Thr)

Gene: TIA1 (TIA1 cytotoxic granule associated RNA binding protein; minus strand). Cytogenetic location: 2p13.3.
Variant type: single nucleotide variant.
Coding change: c.562G>A on transcript NM_022173.4 (MANE Select); coding-DNA position 562, G replaced by A.
Protein change: p.Ala188Thr; replaces alanine 188 with threonine.
Molecular consequence: missense variant. On other transcripts: non-coding transcript variant (17).
Genome position (GRCh38, 1-based): chr2:70,216,907, C>T on the plus strand (G>A on the coding strand, the complement: TIA1 is on the minus strand). VCF-style: chr2-70216907-C-T. GRCh37 (hg19) VCF-style: chr2-70444039-C-T.
Other names: c.562G>A, p.Ala188Thr (NM_001351508.2, NM_001351516.2, NM_001351518.2); c.535G>A, p.Ala179Thr (NM_001351509.2); c.529G>A, p.Ala177Thr (NM_001351510.2, NM_022037.4); c.451G>A, p.Ala151Thr (NM_001351511.1); c.424G>A, p.Ala142Thr (NM_001351512.1); c.418G>A, p.Ala140Thr (NM_001351513.1); c.334G>A, p.Ala112Thr (NM_001351514.2); c.259G>A, p.Ala87Thr (NM_001351515.2); and 1 more; short protein forms A142T, A151T, A112T, A177T, A87T, A140T, A179T, A188T.
Identifiers: ClinVar variation 3674878 (VCV003674878.2).

ClinVar aggregate classification (germline): Uncertain significance (1 of 4 stars; one submission).

Conditions:
Welander distal myopathy (WDM). Also called: Gower's muscular dystrophy; Welander distal myopathy, Swedish type; Distal myopathy, Swedish type; MUSCULAR DYSTROPHY, DISTAL, LATE-ONSET, AUTOSOMAL DOMINANT. Identifiers: Orphanet 603, MedGen C0221054, MONDO:0011466, OMIM 604454.

gnomAD v4.1: 39 of 1,613,908 alleles (0.0024%); highest among the groups gnomAD compares: African/African-American, 0.0053%; no homozygotes.

Submission:

Labcorp Genetics (formerly Invitae), Labcorp
Classification: Uncertain significance for Welander distal myopathy. Last evaluated: 2025-08-11. Review status: criteria provided, single submitter. Criteria: Invitae Variant Classification Sherloc (09022015). Collection method: clinical testing. Allele origin: germline.
Comment: This sequence change replaces alanine, which is neutral and non-polar, with threonine, which is neutral and polar, at codon 188 of the TIA1 protein (p.Ala188Thr). The frequency data for this variant in the population databases is considered unreliable, as metrics indicate poor data quality at this position in the gnomAD database. This variant has not been reported in the literature in individuals affected with TIA1-related conditions. ClinVar contains an entry for this variant (Variation ID: 3674878). Invitae Evidence Modeling of protein sequence and biophysical properties (such as structural, functional, and spatial information, amino acid conservation, physicochemical variation, residue mobility, and thermodynamic stability) indicates that this missense variant is not expected to disrupt TIA1 protein function with a negative predictive value of 80%. In summary, the available evidence is currently insufficient to determine the role of this variant in disease. Therefore, it has been classified as a Variant of Uncertain Significance.